The following is an entry in ClinVar:

ClinVar aggregate classification (germline): Uncertain significance. Review status: criteria provided, single submitter (1 of 4 stars). 2 submissions from 2 submitters: Uncertain significance (1). 1 of the submissions does not count toward it. Last evaluated 2017-08-20.

Conditions:
Polycystic kidney disease, adult type (PKD1). Also called: POLYCYSTIC KIDNEY DISEASE 1 WITH OR WITHOUT POLYCYSTIC LIVER DISEASE; Polycystic Kidney, Autosomal Dominant; POLYCYSTIC KIDNEY DISEASE, ADULT, TYPE I; Polycystic Kidney Disease 1, Autosomal Dominant; Polycystic kidney disease 1; Polycystic kidney disease 1, severe. Identifiers: MedGen C3149841, MONDO:0008263, OMIM 173900.

Submissions (2):

GeneDx
Classification: Uncertain significance. Last evaluated: 2017-08-20. Review status: criteria provided, single submitter. Criteria: GeneDx Variant Classification (06012015). Collection method: clinical testing. Allele origin: germline. Affected: yes.
Comment: The W3263S variant in the PKD1 gene has not been reported previously as a pathogenic variant, nor as a benign variant, to our knowledge. However, a missense variant in the same codon (W3263R) has been reported in a patient with autosomal dominant polycystic kidney disease (Rossetti et al., 2012). The W3263S variant is not observed in large population cohorts (Lek et al., 2016; 1000 Genomes Consortium et al., 2015; Exome Variant Server). It is a non-conservative amino acid substitution, which is likely to impact secondary protein structure as these residues differ in polarity, charge, size and/or other properties. In addition, the W3263S substitution occurs at a position that is conserved across species, and in silico analysis predicts this variant is probably damaging to the protein structure/function. We interpret W3263S as a variant of uncertain significance.

Bioscientia Institut fuer Medizinische Diagnostik GmbH, Sonic Healthcare
Classification: Likely pathogenic for Polycystic kidney disease, adult type. Last evaluated: 2019-12-09. Review status: no assertion criteria provided. Collection method: clinical testing. Allele origin: germline. Affected: yes. Not counted in ClinVar's aggregate classification.

NM_001009944.3(PKD1):c.9788G>C (p.Trp3263Ser)

Gene: PKD1 (polycystin 1, transient receptor potential channel interacting; minus strand). Cytogenetic location: 16p13.3.
Variant type: single nucleotide variant.
Coding change: c.9788G>C on transcript NM_001009944.3 (MANE Select); coding-DNA position 9788, G replaced by C.
Protein change: p.Trp3263Ser; replaces tryptophan 3263 with serine.
Molecular consequence: missense variant.
Genome position (GRCh38, 1-based): chr16:2,099,996, C>G on the plus strand (G>C on the coding strand, the complement: PKD1 is on the minus strand). VCF-style: chr16-2099996-C-G. GRCh37 (hg19) VCF-style: chr16-2149997-C-G.
Other names: c.9788G>C, p.Trp3263Ser (NM_000296.4); short protein forms W3263S.
Identifiers: ClinVar variation 451402 (VCV000451402.4), dbSNP rs1555449378, ClinGen allele CA394353949.